The following is an entry in ClinVar:

ClinVar aggregate classification (germline): Uncertain significance (1 of 4 stars; one submission).

gnomAD v4.1: 42 of 1,614,062 alleles (0.0026%); highest among the groups gnomAD compares: Admixed American, 0.0083%; no homozygotes.

Submission:

GeneDx
Classification: Uncertain significance. Last evaluated: 2024-08-12. Review status: criteria provided, single submitter. Criteria: GeneDx Variant Classification Process June 2021. Collection method: clinical testing. Allele origin: germline. Affected: yes.
Comment: Not observed at significant frequency in large population cohorts (gnomAD); In silico analysis supports that this missense variant has a deleterious effect on protein structure/function; Has not been previously published as pathogenic or benign to our knowledge

NM_001303.4(COX10):c.911C>T (p.Thr304Met)

Genes: COX10 (cytochrome c oxidase assembly factor heme A:farnesyltransferase COX10; plus strand), LOC105943586 (distal CMT1A-REP; plus strand). Cytogenetic location: 17p12.
Variant type: single nucleotide variant.
Coding change: c.911C>T on transcript NM_001303.4 (MANE Select); coding-DNA position 911, C replaced by T.
Protein change: p.Thr304Met; replaces threonine 304 with methionine.
Molecular consequence: missense variant.
Genome position (GRCh38, 1-based): chr17:14,192,204, C>T. VCF-style: chr17-14192204-C-T. GRCh37 (hg19) VCF-style: chr17-14095521-C-T.
Other names: short protein forms T304M.
Identifiers: ClinVar variation 3730891 (VCV003730891.1).